The following is an entry in ClinVar:

ClinVar aggregate classification (germline): Conflicting classifications of pathogenicity. Review status: criteria provided, conflicting classifications (1 of 4 stars). 2 submissions from 2 submitters: Uncertain significance (1); Likely benign (1). Last evaluated 2026-02-02.

Allele frequency attached by ClinVar (database versions not stated): gnomAD exomes below 0.00001; gnomAD 0.00001.

Submissions (2):

Labcorp Genetics (formerly Invitae), Labcorp
Classification: Uncertain significance. Last evaluated: 2026-02-02. Review status: criteria provided, single submitter. Criteria: Invitae Variant Classification Sherloc (09022015). Collection method: clinical testing. Allele origin: germline.
Comment: This sequence change replaces methionine, which is neutral and non-polar, with valine, which is neutral and non-polar, at codon 152 of the GTPBP2 protein (p.Met152Val). This variant is not present in population databases (gnomAD no frequency). This variant has not been reported in the literature in individuals affected with GTPBP2-related conditions. ClinVar contains an entry for this variant (Variation ID: 2067780). An algorithm developed to predict the effect of missense changes on protein structure and function outputs the following: PolyPhen-2: "Benign". The valine amino acid residue is found in multiple mammalian species, which suggests that this missense change does not adversely affect protein function. In summary, the available evidence is currently insufficient to determine the role of this variant in disease. Therefore, it has been classified as a Variant of Uncertain Significance.

Blueprint Genetics
Classification: Likely benign. Last evaluated: 2021-09-15. Review status: criteria provided, single submitter. Criteria: ACMG Guidelines, 2015. Collection method: clinical testing. Allele origin: germline.

NM_019096.5(GTPBP2):c.454A>G (p.Met152Val)

Gene: GTPBP2 (GTP binding protein 2; minus strand). Cytogenetic location: 6p21.1.
Variant type: single nucleotide variant.
Coding change: c.454A>G on transcript NM_019096.5 (MANE Select); coding-DNA position 454, A replaced by G.
Protein change: p.Met152Val; replaces methionine 152 with valine.
Molecular consequence: missense variant.
Genome position (GRCh38, 1-based): chr6:43,625,809, T>C on the plus strand (A>G on the coding strand, the complement: GTPBP2 is on the minus strand). VCF-style: chr6-43625809-T-C. GRCh37 (hg19) VCF-style: chr6-43593546-T-C.
Other names: c.190A>G, p.Met64Val (NM_001286216.2); short protein forms M152V, M64V.
Identifiers: ClinVar variation 2067780 (VCV002067780.5), dbSNP rs2127842961, ClinGen allele CA364278946.